The following is an entry in ClinVar:

NM_006445.4(PRPF8):c.4203-18T>G

Gene: PRPF8 (pre-mRNA processing factor 8; minus strand). Cytogenetic location: 17p13.3.
Variant type: single nucleotide variant.
Coding change: c.4203-18T>G on transcript NM_006445.4 (MANE Select); 18 bases into the intron before coding-DNA position 4203, T replaced by G.
Molecular consequence: intron variant.
Genome position (GRCh38, 1-based): chr17:1,661,424, A>C on the plus strand (T>G on the coding strand, the complement: PRPF8 is on the minus strand). VCF-style: chr17-1661424-A-C. GRCh37 (hg19) VCF-style: chr17-1564718-A-C.
Identifiers: ClinVar variation 1348535 (VCV001348535.6), dbSNP rs2151116516, ClinGen allele CA2573152973.

ClinVar aggregate classification (germline): Uncertain significance (1 of 4 stars; one submission).

Submission:

Labcorp Genetics (formerly Invitae), Labcorp
Classification: Uncertain significance. Last evaluated: 2021-08-23. Review status: criteria provided, single submitter. Criteria: Invitae Variant Classification Sherloc (09022015). Collection method: clinical testing. Allele origin: germline.
Comment: This sequence change falls in intron 26 of the PRPF8 gene. It does not directly change the encoded amino acid sequence of the PRPF8 protein. This variant is not present in population databases (ExAC no frequency). This variant has not been reported in the literature in individuals affected with PRPF8-related conditions. Algorithms developed to predict the effect of sequence changes on RNA splicing suggest that this variant may create or strengthen a splice site. In summary, the available evidence is currently insufficient to determine the role of this variant in disease. Therefore, it has been classified as a Variant of Uncertain Significance.